The following is an entry in ClinVar:

NM_198428.3(BBS9):c.784G>A (p.Val262Ile)

Gene: BBS9 (Bardet-Biedl syndrome 9; plus strand). Cytogenetic location: 7p14.3.
Variant type: single nucleotide variant.
Coding change: c.784G>A on transcript NM_198428.3 (MANE Select); coding-DNA position 784, G replaced by A.
Protein change: p.Val262Ile; replaces valine 262 with isoleucine.
Molecular consequence: missense variant. On other transcripts: non-coding transcript variant (3).
Genome position (GRCh38, 1-based): chr7:33,273,093, G>A. VCF-style: chr7-33273093-G-A. GRCh37 (hg19) VCF-style: chr7-33312705-G-A.
Other names: c.784G>A, p.Val262Ile (NM_001033604.2, NM_001033605.2, NM_001348036.1 and 5 more transcripts); c.418G>A, p.Val140Ile (NM_001348037.3, NM_001348044.3, NM_001348045.3 and 1 more transcripts); c.511G>A, p.Val171Ile (NM_001348038.3, NM_001348039.3); c.649G>A, p.Val217Ile (NM_001348042.3); short protein forms V140I, V171I, V217I, V262I.
Identifiers: ClinVar variation 3354319 (VCV003354319.1).
Genomic context (GRCh38, chr7:33,273,093, plus strand): 5'-GGAGAGCAAGCCCTTGACATATGTATTGTCTCTTTCAATCAGTCGGCATCCTCTGTTTTT[G>A]TTCTTGGTGAGAGAAACTTTTTTTGCCTTAAGGATAATGGACAAATTCGATTCATGAAGA-3'
Protein context (NP_940820.1, residues 252-272): SFNQSASSVF[Val262Ile]LGERNFFCLK

ClinVar aggregate classification (germline): Uncertain significance (0 of 4 stars; one submission).

Conditions:
BBS9-related disorder. Also called: BBS9-related condition.

gnomAD v4.1: 3 of 1,613,688 alleles (0.00019%); highest among the groups gnomAD compares: East Asian, 0.0067%; no homozygotes.

Submission:

PreventionGenetics, part of Exact Sciences
Classification: Uncertain significance for BBS9-related condition. Last evaluated: 2024-01-31. Review status: no assertion criteria provided. Collection method: clinical testing. Allele origin: germline.
Comment: The BBS9 c.784G>A variant is predicted to result in the amino acid substitution p.Val262Ile. To our knowledge, this variant has not been reported in the literature. This variant is reported in 0.010% of alleles in individuals of East Asian descent in gnomAD. At this time, the clinical significance of this variant is uncertain due to the absence of conclusive functional and genetic evidence.